The following is an entry in ClinVar:

ClinVar aggregate classification (germline): Likely benign. Review status: criteria provided, single submitter (1 of 4 stars). 2 submissions from 2 submitters: Likely benign (1). 1 of the submissions does not count toward it. Last evaluated 2026-04-14.

Conditions:
ABCB4-related disorder. Also called: ABCB4-related disorders; ABCB4-related condition.
Low phospholipid associated cholelithiasis (GBD1). Also called: Gallbladder disease 1; Gallstone cholecystitis. Identifiers: Orphanet 69663, MedGen C2609268, MONDO:0010939, OMIM 600803.
Familial intrahepatic cholestasis. Identifiers: Orphanet 284385, MedGen CN296401, MONDO:0017290.

Allele frequency attached by ClinVar (database versions not stated): gnomAD exomes below 0.00001; ExAC 0.00001.
gnomAD v4.1: 6 of 1,614,160 alleles (0.00037%); highest among the groups gnomAD compares: Admixed American, 0.0033%; no homozygotes.

Submissions (2):

Genomenon, Inc
Classification: Likely benign for Familial intrahepatic cholestasis; Low phospholipid associated cholelithiasis. Last evaluated: 2026-04-14. Review status: criteria provided, single submitter. Criteria: Genomenon Sequence Variant Interpretation Standards - Updated. Collection method: curation. Allele origin: germline. Affected: no.
Comment: ABCB4 c.24C>T is a synonymous variant that retains Asparagine at residue 8. This variant has been reported in the published literature (PMID:30079523). It is absent or not present at a significant frequency in gnomAD. This synonymous variant is not predicted to impact splicing. In conclusion, we classify ABCB4 p.Asn8= (c.24C>T) as a likely benign variant.

PreventionGenetics, part of Exact Sciences
Classification: Likely benign for ABCB4-related condition. Last evaluated: 2021-05-25. Review status: no assertion criteria provided. Collection method: clinical testing. Allele origin: germline. Not counted in ClinVar's aggregate classification.
Comment: This variant is classified as likely benign based on ACMG/AMP sequence variant interpretation guidelines (Richards et al. 2015 PMID: 25741868, with internal and published modifications).

Literature cited by the submitters: PubMed 30079523 (cited by Genomenon, Inc).

NM_000443.4(ABCB4):c.24C>T (p.Asn8=)

Genes: ABCB4 (ATP binding cassette subfamily B member 4; minus strand), LOC129998756 (ATAC-STARR-seq lymphoblastoid silent region 18347; plus strand). Cytogenetic location: 7q21.12.
Variant type: single nucleotide variant.
Coding change: c.24C>T on transcript NM_000443.4 (MANE Select); coding-DNA position 24, C replaced by T.
Protein change: p.Asn8=; no amino-acid change (asparagine 8 retained).
Molecular consequence: synonymous variant.
Genome position (GRCh38, 1-based): chr7:87,475,442, G>A on the plus strand (C>T on the coding strand, the complement: ABCB4 is on the minus strand). VCF-style: chr7-87475442-G-A. GRCh37 (hg19) VCF-style: chr7-87104758-G-A.
Other names: c.24C>T, p.Asn8= (NM_018849.3, NM_018850.3).
Identifiers: ClinVar variation 3031126 (VCV003031126.3), dbSNP rs749929818, ClinGen allele CA4327656.
Genomic context (GRCh38, chr7:87,475,442, plus strand): 5'-GTACCTGCTGATGCCCAGTTCAAAGTCGCCCTCCGCGCTCGTGGGGCGCCAGGCTGTTCC[G>A]TTCTTTGCCGCCTCAAGATCCATCTCAGCCTGAGGAGAAACCACAGCCTCAGAACCAAGT-3'
Protein context (NP_000434.1, residues 1-18): MDLEAAK[Asn8=]GTAWRPTSAE